The following is an entry in ClinVar:

NM_001035.3(RYR2):c.13711A>G (p.Thr4571Ala)

Gene: RYR2 (ryanodine receptor 2; plus strand). Cytogenetic location: 1q43.
Variant type: single nucleotide variant.
Coding change: c.13711A>G on transcript NM_001035.3 (MANE Select); coding-DNA position 13711, A replaced by G.
Protein change: p.Thr4571Ala; replaces threonine 4571 with alanine.
Molecular consequence: missense variant.
Genome position (GRCh38, 1-based): chr1:237,792,252, A>G. VCF-style: chr1-237792252-A-G. GRCh37 (hg19) VCF-style: chr1-237955552-A-G.
Other names: c.13711A>G (NM_001035.2); short protein forms T4571A.
Identifiers: ClinVar variation 2996488 (VCV002996488.4), dbSNP rs1658465258, ClinGen allele CA345417578.

ClinVar aggregate classification (germline): Uncertain significance. Review status: criteria provided, multiple submitters, no conflicts (2 of 4 stars). 2 submissions from 2 submitters: Uncertain significance (2). Last evaluated 2024-06-03.

Conditions:
Cardiovascular phenotype. Identifiers: MedGen CN230736.
Catecholaminergic polymorphic ventricular tachycardia 1. Also called: RYR2-Related Catecholaminergic Polymorphic Ventricular Tachycardia; VENTRICULAR TACHYCARDIA, STRESS-INDUCED POLYMORPHIC 1; VENTRICULAR TACHYCARDIA, CATECHOLAMINERGIC POLYMORPHIC, 1, WITH OR WITHOUT ATRIAL DYSFUNCTION AND/OR DILATED CARDIOMYOPATHY. Identifiers: Orphanet 3286, MedGen C1631597, MONDO:0011484, OMIM 604772.

Submissions (2):

Ambry Genetics
Classification: Uncertain significance for Cardiovascular phenotype. Last evaluated: 2024-06-03. Review status: criteria provided, single submitter. Criteria: Ambry Variant Classification Scheme 2023. Collection method: clinical testing. Allele origin: germline.
Comment: The p.T4571A variant (also known as c.13711A>G), located in coding exon 94 of the RYR2 gene, results from an A to G substitution at nucleotide position 13711. The threonine at codon 4571 is replaced by alanine, an amino acid with similar properties. This amino acid position is well conserved in available vertebrate species. In addition, this alteration is predicted to be tolerated by in silico analysis. Based on the available evidence, the clinical significance of this variant remains unclear.

Labcorp Genetics (formerly Invitae), Labcorp
Classification: Uncertain significance for Catecholaminergic polymorphic ventricular tachycardia 1. Last evaluated: 2023-07-28. Review status: criteria provided, single submitter. Criteria: Invitae Variant Classification Sherloc (09022015). Collection method: clinical testing. Allele origin: germline.
Comment: This variant has not been reported in the literature in individuals affected with RYR2-related conditions. This variant is not present in population databases (gnomAD no frequency). This sequence change replaces threonine, which is neutral and polar, with alanine, which is neutral and non-polar, at codon 4571 of the RYR2 protein (p.Thr4571Ala). Advanced modeling of protein sequence and biophysical properties (such as structural, functional, and spatial information, amino acid conservation, physicochemical variation, residue mobility, and thermodynamic stability) performed at Invitae indicates that this missense variant is not expected to disrupt RYR2 protein function. In summary, the available evidence is currently insufficient to determine the role of this variant in disease. Therefore, it has been classified as a Variant of Uncertain Significance.